The following is an entry in ClinVar:

NM_001042492.3(NF1):c.1872del (p.Leu625fs)

Gene: NF1 (neurofibromin 1; plus strand). Cytogenetic location: 17q11.2.
Variant type: Deletion.
Coding change: c.1872del on transcript NM_001042492.3 (MANE Select); coding-DNA position 1872, one base deleted (T; older notation c.1872delT).
Protein change: p.Leu625fs; shifts the reading frame from leucine 625.
Molecular consequence: frameshift variant.
Genome position (GRCh38, 1-based): chr17:31,225,121, T deleted; the last of 3 consecutive T bases (chr17:31,225,119-31,225,121); deleting any one gives the same sequence. VCF-style (leftmost placement, unchanged base first): chr17-31225118-CT-C. GRCh37 (hg19) VCF-style: chr17-29552136-CT-C.
Other names: c.1872delT, p.Leu625Serfs (NM_000267.4); short protein forms L625fs.
Identifiers: ClinVar variation 2137966 (VCV002137966.4), dbSNP rs2144026030, ClinGen allele CA2580092880.
Genomic context (GRCh38, chr17:31,225,118, plus strand): 5'-GTGCTTCAGTAAAGCTTATTTATTTATTTTTTTCTAGCAGGCAGATAGAAGTTCCTGTCA[CT>C]TTCTCCTTTTTTACGGGGTAGGATGTGATATTCCTTCTAGTGGAAATACCAGTCAAATGT-3'

ClinVar aggregate classification (germline): Pathogenic (1 of 4 stars; one submission).

Conditions:
Neurofibromatosis, type 1 (NF1). Also called: Peripheral type neurofibromatosis; VON RECKLINGHAUSEN DISEASE; NEUROFIBROMATOSIS, TYPE I, SOMATIC; Neurofibromatosis, type I. Identifiers: Orphanet 636, MedGen C0027831, MONDO:0018975, OMIM 162200. Disease mechanism: loss of function.

Submission:

Labcorp Genetics (formerly Invitae), Labcorp
Classification: Pathogenic for Neurofibromatosis, type 1. Last evaluated: 2022-08-23. Review status: criteria provided, single submitter. Criteria: Invitae Variant Classification Sherloc (09022015). Collection method: clinical testing. Allele origin: germline.
Comment: This variant is not present in population databases (gnomAD no frequency). For these reasons, this variant has been classified as Pathogenic. Algorithms developed to predict the effect of sequence changes on RNA splicing suggest that this variant may disrupt the consensus splice site. This variant is also known as c.1870delT, p.Phe624fs. This premature translational stop signal has been observed in individual(s) with neurofibromatosis type 1 (PMID: 21362601). This sequence change creates a premature translational stop signal (p.Leu625Serfs*6) in the NF1 gene. It is expected to result in an absent or disrupted protein product. Loss-of-function variants in NF1 are known to be pathogenic (PMID: 10712197, 23913538).

Literature cited by the submitters: PubMed 21362601; PubMed 10712197; PubMed 23913538.